The following is an entry in ClinVar:

ClinVar aggregate classification (germline): Pathogenic (1 of 4 stars; one submission).

Conditions:
Familial hemophagocytic lymphohistiocytosis 2 (FHL2). Also called: PRF1-Related Familial Hemophagocytic Lymphohistiocytosis (PRF1-fHLH). Identifiers: Orphanet 540, MedGen C1863727, MONDO:0011337, OMIM 603553.

Submission:

Labcorp Genetics (formerly Invitae), Labcorp
Classification: Pathogenic for Familial hemophagocytic lymphohistiocytosis 2. Last evaluated: 2023-09-10. Review status: criteria provided, single submitter. Criteria: Invitae Variant Classification Sherloc (09022015). Collection method: clinical testing. Allele origin: germline.
Comment: This sequence change creates a premature translational stop signal (p.Trp483*) in the PRF1 gene. While this is not anticipated to result in nonsense mediated decay, it is expected to disrupt the last 73 amino acid(s) of the PRF1 protein. This variant is not present in population databases (gnomAD no frequency). This variant has not been reported in the literature in individuals affected with PRF1-related conditions. This variant disrupts a region of the PRF1 protein in which other variant(s) (p.Asp491Asn) have been determined to be pathogenic (PMID: 17477373, 25577959, 33746956). This suggests that this is a clinically significant region of the protein, and that variants that disrupt it are likely to be disease-causing. For these reasons, this variant has been classified as Pathogenic.

Literature cited by the submitters: PubMed 17477373; PubMed 25577959; PubMed 33746956.

NM_001083116.3(PRF1):c.1448G>A (p.Trp483Ter)

Gene: PRF1 (perforin 1; minus strand). Cytogenetic location: 10q22.1.
Variant type: single nucleotide variant.
Coding change: c.1448G>A on transcript NM_001083116.3 (MANE Select); coding-DNA position 1448, G replaced by A.
Protein change: p.Trp483Ter; replaces tryptophan 483 with a stop codon.
Molecular consequence: nonsense.
Genome position (GRCh38, 1-based): chr10:70,598,273, C>T on the plus strand (G>A on the coding strand, the complement: PRF1 is on the minus strand). VCF-style: chr10-70598273-C-T. GRCh37 (hg19) VCF-style: chr10-72358029-C-T.
Other names: c.1448G>A, p.Trp483Ter (NM_005041.6); short protein forms W483*.
Identifiers: ClinVar variation 2759955 (VCV002759955.3), dbSNP rs2493482240, ClinGen allele CA376955570.